The following is an entry in ClinVar:

ClinVar aggregate classification (germline): Uncertain significance (1 of 4 stars; one submission).

Conditions:
Epilepsy. Also called: Seizure disorder. Identifiers: MedGen C0014544, MeSH D004827, MONDO:0005027.

Allele frequency attached by ClinVar (database versions not stated): gnomAD 0.00001; 1000 Genomes Project 30x 0.00016; TOPMed 0.00001; 1000 Genomes Project 0.00020; gnomAD exomes 0.00003; ExAC 0.00005.
gnomAD v4.1: 15 of 1,549,416 alleles (0.00097%); highest among the groups gnomAD compares: South Asian, 0.0059%; no homozygotes.

Submission:

Labcorp Genetics (formerly Invitae), Labcorp
Classification: Uncertain significance for Epilepsy. Last evaluated: 2022-04-18. Review status: criteria provided, single submitter. Criteria: Invitae Variant Classification Sherloc (09022015). Collection method: clinical testing. Allele origin: germline.
Comment: This sequence change replaces valine, which is neutral and non-polar, with methionine, which is neutral and non-polar, at codon 286 of the PIGQ protein (p.Val286Met). The frequency data for this variant in the population databases is considered unreliable, as metrics indicate poor data quality at this position in the gnomAD database. This variant has not been reported in the literature in individuals affected with PIGQ-related conditions. ClinVar contains an entry for this variant (Variation ID: 941062). Algorithms developed to predict the effect of missense changes on protein structure and function output the following: SIFT: "Tolerated"; PolyPhen-2: "Benign"; Align-GVGD: "Class C0". The methionine amino acid residue is found in multiple mammalian species, which suggests that this missense change does not adversely affect protein function. In summary, the available evidence is currently insufficient to determine the role of this variant in disease. Therefore, it has been classified as a Variant of Uncertain Significance.

NM_004204.5(PIGQ):c.856G>A (p.Val286Met)

Gene: PIGQ (phosphatidylinositol glycan anchor biosynthesis class Q; plus strand). Cytogenetic location: 16p13.3.
Variant type: single nucleotide variant.
Coding change: c.856G>A on transcript NM_004204.5 (MANE Select); coding-DNA position 856, G replaced by A.
Protein change: p.Val286Met; replaces valine 286 with methionine.
Molecular consequence: missense variant.
Genome position (GRCh38, 1-based): chr16:576,168, G>A. VCF-style: chr16-576168-G-A. GRCh37 (hg19) VCF-style: chr16-626168-G-A.
Other names: c.856G>A, p.Val286Met (NM_148920.4); short protein forms V286M.
Identifiers: ClinVar variation 941062 (VCV000941062.10), dbSNP rs575220879, ClinGen allele CA7780012.